The following is an entry in ClinVar:

ClinVar aggregate classification (germline): Uncertain significance (1 of 4 stars; one submission).

Conditions:
Sulfite oxidase deficiency due to molybdenum cofactor deficiency type A. Also called: Molybdenum Cofactor Deficiency A; Molybdenum cofactor deficiency, complementation group A. Identifiers: Orphanet 308386, Orphanet 833, MedGen C1854988, MONDO:0009643, OMIM 252150.

Allele frequency attached by ClinVar (database versions not stated): gnomAD exomes 0.00001; TOPMed 0.00001; ExAC 0.00002.
gnomAD v4.1: 8 of 1,612,708 alleles (0.0005%); highest among the groups gnomAD compares: Admixed American, 0.012%; no homozygotes.

Submission:

Labcorp Genetics (formerly Invitae), Labcorp
Classification: Uncertain significance for Sulfite oxidase deficiency due to molybdenum cofactor deficiency type A. Last evaluated: 2022-05-15. Review status: criteria provided, single submitter. Criteria: Invitae Variant Classification Sherloc (09022015). Collection method: clinical testing. Allele origin: germline.
Comment: This sequence change replaces proline, which is neutral and non-polar, with leucine, which is neutral and non-polar, at codon 56 of the MOCS1 protein (p.Pro56Leu). This variant is present in population databases (rs769291978, gnomAD 0.02%). This variant has not been reported in the literature in individuals affected with MOCS1-related conditions. Algorithms developed to predict the effect of missense changes on protein structure and function are either unavailable or do not agree on the potential impact of this missense change (SIFT: "Not Available"; PolyPhen-2: "Probably Damaging"; Align-GVGD: "Not Available"). In summary, the available evidence is currently insufficient to determine the role of this variant in disease. Therefore, it has been classified as a Variant of Uncertain Significance.

NM_001358530.2(MOCS1):c.167C>T (p.Pro56Leu)

Gene: MOCS1 (molybdenum cofactor synthesis 1; minus strand). Cytogenetic location: 6p21.2.
Variant type: single nucleotide variant.
Coding change: c.167C>T on transcript NM_001358530.2 (MANE Select); coding-DNA position 167, C replaced by T.
Protein change: p.Pro56Leu; replaces proline 56 with leucine.
Molecular consequence: missense variant. On other transcripts: 5 prime UTR variant (1), intron variant (2).
Genome position (GRCh38, 1-based): chr6:39,927,412, G>A on the plus strand (C>T on the coding strand, the complement: MOCS1 is on the minus strand). VCF-style: chr6-39927412-G-A. GRCh37 (hg19) VCF-style: chr6-39895151-G-A.
Other names: c.167C>T, p.Pro56Leu (NM_001075098.4, NM_001358529.2, NM_005943.6); c.-95C>T (NM_001358534.2); c.-11-1567C>T (NM_001358531.2, NM_001358533.2); short protein forms P56L.
Identifiers: ClinVar variation 2428469 (VCV002428469.3), dbSNP rs769291978, ClinGen allele CA3796419.